The following is an entry in ClinVar:

NM_000138.5(FBN1):c.7267G>A (p.Gly2423Arg)

Gene: FBN1 (fibrillin 1; minus strand). Cytogenetic location: 15q21.1.
Variant type: single nucleotide variant.
Coding change: c.7267G>A on transcript NM_000138.5 (MANE Select); coding-DNA position 7267, G replaced by A.
Protein change: p.Gly2423Arg; replaces glycine 2423 with arginine.
Molecular consequence: missense variant.
Genome position (GRCh38, 1-based): chr15:48,425,802, C>T on the plus strand (G>A on the coding strand, the complement: FBN1 is on the minus strand). VCF-style: chr15-48425802-C-T. GRCh37 (hg19) VCF-style: chr15-48717999-C-T.
Other names: c.7267G>A, p.Gly2423Arg (NM_001406716.1); short protein forms G2423R.
Identifiers: ClinVar variation 1757984 (VCV001757984.3), dbSNP rs794728271, ClinGen allele CA392328683.
Genomic context (GRCh38, chr15:48,425,802, plus strand): 5'-CACAGGAAGTCCCAGTTATATCTGGAGTGTACCCAGTTTTACAAATGCAATGATATGATC[C>T]TCTGTCATTGACACATTCCCCATTTCGGCAAACATCGTGAATAACCTTGCATTCATCGAT-3'
Protein context (NP_000129.3, residues 2413-2433): CRNGECVNDR[Gly2423Arg]SYHCICKTGY

ClinVar aggregate classification (germline): Uncertain significance (1 of 4 stars; one submission).

Conditions:
Familial thoracic aortic aneurysm and aortic dissection (TAAD). Also called: Thoracic aortic aneurysms and dissections. Identifiers: Orphanet 91387, MedGen C4707243, MONDO:0019625.

Submission:

Ambry Genetics
Classification: Uncertain significance for Familial thoracic aortic aneurysm and aortic dissection. Last evaluated: 2026-01-16. Review status: criteria provided, single submitter. Criteria: Ambry Variant Classification Scheme 2023. Collection method: clinical testing. Allele origin: germline.
Comment: The p.G2423R variant (also known as c.7267G>A), located in coding exon 58 of the FBN1 gene, results from a G to A substitution at nucleotide position 7267. The glycine at codon 2423 is replaced by arginine, an amino acid with dissimilar properties. This amino acid position is highly conserved in available vertebrate species. In addition, this alteration is predicted to be deleterious by in silico analysis. Based on the available evidence, the clinical significance of this variant remains unclear.